The following is an entry in ClinVar:

NM_001199138.2(NLRC4):c.263-3T>C

Gene: NLRC4 (NLR family CARD domain containing 4; minus strand). Cytogenetic location: 2p22.3.
Variant type: single nucleotide variant.
Coding change: c.263-3T>C on transcript NM_001199138.2 (MANE Select); 3 bases into the intron before coding-DNA position 263, T replaced by C.
Molecular consequence: intron variant.
Genome position (GRCh38, 1-based): chr2:32,251,604, A>G on the plus strand (T>C on the coding strand, the complement: NLRC4 is on the minus strand). VCF-style: chr2-32251604-A-G. GRCh37 (hg19) VCF-style: chr2-32476673-A-G.
Other names: c.262+815T>C (NM_001302504.1); c.263-3T>C (NM_021209.4, NM_001199139.1).
Identifiers: ClinVar variation 2691641 (VCV002691641.4), dbSNP rs751489263, ClinGen allele CA1602173.
Genomic context (GRCh38, chr2:32,251,604, plus strand): 5'-TCCTTTAAATCCTGAGCCAAATCGTCCAAGTCTCCTTCTGATGTCTGATGAAAAAGACCT[A>G]TTAGAGAAGAGGTGATGTTAAAGAAGACCCAATTCTGTGTCTCCTCAAAACCTAGAGTTC-3'

ClinVar aggregate classification (germline): Conflicting classifications of pathogenicity. Review status: criteria provided, conflicting classifications (1 of 4 stars). 3 submissions from 3 submitters: Uncertain significance (2); Likely benign (1). Last evaluated 2025-09-05.

Conditions:
Periodic fever-infantile enterocolitis-autoinflammatory syndrome. Also called: Autoinflammation with infantile enterocolitis. Identifiers: Orphanet 436166, MedGen C4015067, MONDO:0014472, OMIM 616050.
Familial cold autoinflammatory syndrome 4 (FCAS4). Identifiers: Orphanet 47045, Orphanet 576349, MedGen C4015276, MONDO:0014498, OMIM 616115.

Allele frequency attached by ClinVar (database versions not stated): gnomAD 0.00001; TOPMed 0.00001; gnomAD exomes below 0.00001; ExAC 0.00001.
gnomAD v4.1: 4 of 1,573,932 alleles (0.00025%); highest among the groups gnomAD compares: Admixed American, 0.0036%; no homozygotes.

Submissions (3):

Labcorp Genetics (formerly Invitae), Labcorp
Classification: Uncertain significance for Periodic fever-infantile enterocolitis-autoinflammatory syndrome; Familial cold autoinflammatory syndrome 4. Last evaluated: 2025-09-05. Review status: criteria provided, single submitter. Criteria: Invitae Variant Classification Sherloc (09022015). Collection method: clinical testing. Allele origin: germline.
Comment: This sequence change falls in intron 3 of the NLRC4 gene. It does not directly change the encoded amino acid sequence of the NLRC4 protein. It affects a nucleotide within the consensus splice site. This variant is present in population databases (rs751489263, gnomAD 0.003%). This variant has not been reported in the literature in individuals affected with NLRC4-related conditions. ClinVar contains an entry for this variant (Variation ID: 2691641). Variants that disrupt the consensus splice site are a relatively common cause of aberrant splicing (PMID: 17576681, 9536098). Algorithms developed to predict the effect of sequence changes on RNA splicing suggest that this variant is not likely to affect RNA splicing. In summary, the available evidence is currently insufficient to determine the role of this variant in disease. Therefore, it has been classified as a Variant of Uncertain Significance.

Women's Health and Genetics/Laboratory Corporation of America, LabCorp
Classification: Uncertain significance. Last evaluated: 2024-07-01. Review status: criteria provided, single submitter. Criteria: LabCorp Variant Classification Summary - May 2015. Collection method: clinical testing. Allele origin: germline.
Comment: Variant summary: NLRC4 c.263-3T>C alters a nucleotide located close to a canonical splice site and therefore could affect mRNA splicing, leading to a significantly altered protein sequence. Consensus agreement among computation tools predict no significant impact on normal splicing. However, these predictions have yet to be confirmed by functional studies. The variant allele was found at a frequency of 9.4e-06 in 213592 control chromosomes. The available data on variant occurrences in the general population are insufficient to allow any conclusion about variant significance. To our knowledge, no occurrence of c.263-3T>C in individuals affected with NLRC4-Related Disorders and no experimental evidence demonstrating its impact on protein function have been reported. ClinVar contains an entry for this variant (Variation ID: 2691641). Based on the evidence outlined above, the variant was classified as uncertain significance.

Blueprint Genetics
Classification: Likely benign. Last evaluated: 2023-09-27. Review status: criteria provided, single submitter. Criteria: ACMG Guidelines, 2015. Collection method: clinical testing. Allele origin: germline.

Literature cited by the submitters: PubMed 17576681 (cited by Labcorp Genetics (formerly Invitae), Labcorp); PubMed 9536098 (cited by Labcorp Genetics (formerly Invitae), Labcorp).